The following is an entry in ClinVar:

ClinVar aggregate classification (germline): Uncertain significance (1 of 4 stars; one submission).

Conditions:
Methylcobalamin deficiency type cblE (HMAE). Also called: VITAMIN B12-RESPONSIVE HOMOCYSTINURIA, cblE TYPE; HOMOCYSTINURIA-MEGALOBLASTIC ANEMIA, cblE TYPE; HOMOCYSTINURIA-MEGALOBLASTIC ANEMIA, cblE COMPLEMENTATION TYPE. Identifiers: Orphanet 2169, Orphanet 622, MedGen C1856057, MONDO:0009354, OMIM 236270.

Allele frequency attached by ClinVar (database versions not stated): TOPMed below 0.00001.

Submission:

Labcorp Genetics (formerly Invitae), Labcorp
Classification: Uncertain significance for Methylcobalamin deficiency type cblE. Last evaluated: 2022-09-06. Review status: criteria provided, single submitter. Criteria: Invitae Variant Classification Sherloc (09022015). Collection method: clinical testing. Allele origin: germline.
Comment: In summary, the available evidence is currently insufficient to determine the role of this variant in disease. Therefore, it has been classified as a Variant of Uncertain Significance. Algorithms developed to predict the effect of missense changes on protein structure and function are either unavailable or do not agree on the potential impact of this missense change (SIFT: "Deleterious"; PolyPhen-2: "Probably Damaging"; Align-GVGD: "Class C0"). This variant has not been reported in the literature in individuals affected with MTRR-related conditions. This variant is not present in population databases (gnomAD no frequency). This sequence change replaces valine, which is neutral and non-polar, with glutamic acid, which is acidic and polar, at codon 543 of the MTRR protein (p.Val543Glu).

NM_002454.3(MTRR):c.1628T>A (p.Val543Glu)

Gene: MTRR (5-methyltetrahydrofolate-homocysteine methyltransferase reductase; plus strand). Cytogenetic location: 5p15.31.
Variant type: single nucleotide variant.
Coding change: c.1628T>A on transcript NM_002454.3 (MANE Select); coding-DNA position 1628, T replaced by A.
Protein change: p.Val543Glu; replaces valine 543 with glutamic acid.
Molecular consequence: missense variant. On other transcripts: non-coding transcript variant (14).
Genome position (GRCh38, 1-based): chr5:7,895,804, T>A. VCF-style: chr5-7895804-T-A. GRCh37 (hg19) VCF-style: chr5-7895917-T-A.
Other names: c.1628T>A, p.Val543Glu (NM_001364440.2, NM_001364441.2, NM_001364442.2 and 1 more transcripts); short protein forms V543E.
Identifiers: ClinVar variation 2076393 (VCV002076393.2), dbSNP rs776462257, ClinGen allele CA113814429.